The following is an entry in ClinVar:

NM_001378183.1(PIEZO2):c.4775_4778del (p.Lys1592fs)

Gene: PIEZO2 (piezo type mechanosensitive ion channel component 2; minus strand). Cytogenetic location: 18p11.22.
Variant type: Deletion.
Coding change: c.4775_4778del on transcript NM_001378183.1 (MANE Select); coding-DNA positions 4775 to 4778, 4 bases deleted (AGAA; older notation c.4775_4778delAGAA).
Protein change: p.Lys1592fs; shifts the reading frame from lysine 1592.
Molecular consequence: frameshift variant.
Genome position (GRCh38, 1-based): chr18:10,736,641-10,736,644, TTCT deleted on the plus strand (AGAA on the coding strand, the reverse complement: PIEZO2 is on the minus strand); deleting any 4 consecutive bases within chr18:10,736,641-10,736,646 gives the same sequence; the c. name uses the placement nearest the transcript's 3' end. VCF-style (leftmost placement, unchanged base first): chr18-10736640-CTTCT-C. GRCh37 (hg19) VCF-style: chr18-10736638-CTTCT-C.
Other names: c.4773_4776delAAAG, p.Lys1592Argfs (NM_001410871.1); c.4700_4703del, p.Lys1567fs (NM_022068.4); c.4700_4703delAGAA (NM_022068.4); short protein forms K1567fs, K1592fs.
Identifiers: ClinVar variation 2431930 (VCV002431930.3), dbSNP rs2510489205, ClinGen allele CA2531813900.

ClinVar aggregate classification (germline): Pathogenic/Likely pathogenic. Review status: criteria provided, multiple submitters, no conflicts (2 of 4 stars). 3 submissions from 3 submitters: Pathogenic (2); Likely pathogenic (1). Last evaluated 2023-12-07.

Conditions:
FAM38B-related disorder. Also called: FAM38B-Related Disorders.
Arthrogryposis, distal, with impaired proprioception and touch (DAIPT). Identifiers: MedGen C4310692, MONDO:0014941, OMIM 617146.

Submissions (3):

Women's Health and Genetics/Laboratory Corporation of America, LabCorp
Classification: Pathogenic for FAM38B-Related Disorders. Last evaluated: 2023-12-07. Review status: criteria provided, single submitter. Criteria: LabCorp Variant Classification Summary - May 2015. Collection method: clinical testing. Allele origin: germline.
Comment: Variant summary: FAM38B(PIEZO2) c.4700_4703delAGAA (p.Lys1567ArgfsX82) results in a premature termination codon and is expected to cause absence of the protein due to nonsense mediated decay, a commonly known mechanism for disease. The variant was absent in 141916 control chromosomes (gnomAD). To our knowledge, no occurrence of c.4700_4703delAGAA in individuals affected with FAM38B-Related Disorders and no experimental evidence demonstrating its impact on protein function have been reported. Two submitters have cited clinical-significance assessments for this variant to ClinVar after 2014. Both submitters classified the variant as pathogenic/likely pathogenic. Based on the evidence outlined above, the variant was classified as pathogenic.

Illumina Laboratory Services, Illumina
Classification: Pathogenic for Arthrogryposis, distal, with impaired proprioception and touch. Last evaluated: 2023-02-03. Review status: criteria provided, single submitter. Criteria: ICSLVariantClassificationCriteria RUGD 01 April 2020. Collection method: clinical testing. Allele origin: unknown.
Comment: The PIEZO2 c.4700_4703del (p.Lys1567ArgfsTer82) variant results in the deletion of four nucleotides at position c.4700_4703, causing a shift in the protein reading frame that is predicted to result in premature termination of the protein. Loss of normal protein function through either protein truncation or nonsense-mediated mRNA decay is expected. To our knowledge, this variant has not been reported in the peer-reviewed literature. The variant is not found in version 2.1.1 or version 3.1.2 of the Genome Aggregation Database. This variant was identified in a homozygous state. Based on the available evidence, the c.4700_4703del (p.Lys1567ArgfsTer82) variant is classified as pathogenic for distal arthrogryposis with impaired proprioception and touch.

Laboratorio de Genetica e Diagnostico Molecular, Hospital Israelita Albert Einstein
Classification: Likely pathogenic for Arthrogryposis, distal, with impaired proprioception and touch. Last evaluated: 2022-07-21. Review status: criteria provided, single submitter. Criteria: ACMG Guidelines, 2015. Collection method: clinical testing. Allele origin: germline. Affected: yes. Observed: 1 variant allele.
Comment: ACMG classification criteria: PVS1 very strong, PM2 moderated